The following is an entry in ClinVar:

ClinVar aggregate classification (germline): Uncertain significance (1 of 4 stars; one submission).

Conditions:
Lowe syndrome (OCRL). Also called: LOWE OCULOCEREBRORENAL SYNDROME; PHOSPHATIDYLINOSITOL 4,5-BISPHOSPHATE 5-PHOSPHATASE DEFICIENCY; Oculocerebrorenal Syndrome. Identifiers: Orphanet 534, MedGen C0028860, MONDO:0010645, OMIM 309000.

Submission:

Labcorp Genetics (formerly Invitae), Labcorp
Classification: Uncertain significance for Lowe syndrome. Last evaluated: 2025-03-10. Review status: criteria provided, single submitter. Criteria: Invitae Variant Classification Sherloc (09022015). Collection method: clinical testing. Allele origin: germline.
Comment: This sequence change falls in intron 8 of the OCRL gene. It does not directly change the encoded amino acid sequence of the OCRL protein. It affects a nucleotide within the consensus splice site. This variant is not present in population databases (gnomAD no frequency). This variant has not been reported in the literature in individuals affected with OCRL-related conditions. Variants that disrupt the consensus splice site are a relatively common cause of aberrant splicing (PMID: 17576681, 9536098). Algorithms developed to predict the effect of sequence changes on RNA splicing suggest that this variant is not likely to affect RNA splicing. In summary, the available evidence is currently insufficient to determine the role of this variant in disease. Therefore, it has been classified as a Variant of Uncertain Significance.

Literature cited by the submitters: PubMed 17576681; PubMed 9536098.

NM_000276.4(OCRL):c.722+4A>G

Gene: OCRL (OCRL inositol polyphosphate-5-phosphatase; plus strand). Cytogenetic location: Xq26.1.
Variant type: single nucleotide variant.
Coding change: c.722+4A>G on transcript NM_000276.4 (MANE Select); 4 bases into the intron after coding-DNA position 722, A replaced by G.
Molecular consequence: intron variant.
Genome position (GRCh38, 1-based): chrX:129,559,005, A>G. VCF-style: chrX-129559005-A-G. GRCh37 (hg19) VCF-style: chrX-128692982-A-G.
Other names: c.725+4A>G (NM_001318784.2); c.722+4A>G (NM_001587.4).
Identifiers: ClinVar variation 3695624 (VCV003695624.2).
Genomic context (GRCh38, chrX:129,559,005, plus strand): 5'-CATCAAACATATCCTGGCAAAGCGAGAGAAAGAATATGTCAACATTCAGACTTTCAGGTT[A>G]GTGTCTCTTTTGCTTCCTGAGTCTAAAAAGTTAGTATATATAACAGACAGTGGCCTGTTG-3'